The following is an entry in ClinVar:

NM_000094.4(COL7A1):c.5823T>A (p.Asn1941Lys)

Gene: COL7A1 (collagen type VII alpha 1 chain; minus strand). Cytogenetic location: 3p21.31.
Variant type: single nucleotide variant.
Coding change: c.5823T>A on transcript NM_000094.4 (MANE Select); coding-DNA position 5823, T replaced by A.
Protein change: p.Asn1941Lys; replaces asparagine 1941 with lysine.
Molecular consequence: missense variant.
Genome position (GRCh38, 1-based): chr3:48,575,900, A>T on the plus strand (T>A on the coding strand, the complement: COL7A1 is on the minus strand). VCF-style: chr3-48575900-A-T. GRCh37 (hg19) VCF-style: chr3-48613333-A-T.
Other names: short protein forms N1941K.
Identifiers: ClinVar variation 4776333 (VCV004776333.1).

ClinVar aggregate classification (germline): Uncertain significance (1 of 4 stars; one submission).

gnomAD v4.1: 1 of 1,614,066 alleles (0.000062%); no homozygotes.

Submission:

Labcorp Genetics (formerly Invitae), Labcorp
Classification: Uncertain significance. Last evaluated: 2025-04-15. Review status: criteria provided, single submitter. Criteria: Invitae Variant Classification Sherloc (09022015). Collection method: clinical testing. Allele origin: germline.
Comment: This sequence change replaces asparagine, which is neutral and polar, with lysine, which is basic and polar, at codon 1941 of the COL7A1 protein (p.Asn1941Lys). This variant is not present in population databases (gnomAD no frequency). This variant has not been reported in the literature in individuals affected with COL7A1-related conditions. Experimental studies and prediction algorithms are not available or were not evaluated, and the functional significance of this variant is currently unknown. In summary, the available evidence is currently insufficient to determine the role of this variant in disease. Therefore, it has been classified as a Variant of Uncertain Significance.